The following is an entry in ClinVar:

NM_005859.5(PURA):c.307_308del (p.Ser103fs)

Gene: PURA (purine rich element binding protein A; plus strand). Cytogenetic location: 5q31.3.
Variant type: Microsatellite.
Coding change: c.307_308del on transcript NM_005859.5 (MANE Select); coding-DNA positions 307 to 308, 2 bases deleted (TC; older notation c.307_308delTC).
Protein change: p.Ser103fs; shifts the reading frame from serine 103.
Molecular consequence: frameshift variant.
Genome position (GRCh38, 1-based): chr5:140,114,488-140,114,489, TC deleted; deleting any 2 consecutive bases within chr5:140,114,483-140,114,489 gives the same sequence; the c. name uses the placement nearest the transcript's 3' end. VCF-style (leftmost placement, unchanged base first): chr5-140114482-ACT-A. GRCh37 (hg19) VCF-style: chr5-139494067-ACT-A.
Other names: short protein forms S103fs.
Identifiers: ClinVar variation 156404 (VCV000156404.14), dbSNP rs587782992, ClinGen allele CA174991.

ClinVar aggregate classification (germline): Pathogenic. Review status: criteria provided, multiple submitters, no conflicts (2 of 4 stars). 6 submissions from 6 submitters: Pathogenic (3). 3 of the submissions do not count toward it. Last evaluated 2025-02-02.

Conditions:
PURA-related disorder. Also called: PURA-related condition.
PURA-related severe neonatal hypotonia-seizures-encephalopathy syndrome (NEDRIHF). Also called: PURA-Related Neurodevelopmental Disorders; NEURODEVELOPMENTAL DISORDER WITH NEONATAL RESPIRATORY INSUFFICIENCY, HYPOTONIA, AND FEEDING DIFFICULTIES. Identifiers: Orphanet 438213, Orphanet 438216, MedGen C4015357, MONDO:1060108, OMIM 616158, MONDO:0018580.
Global developmental delay (DD). Also called: Cognitive delay. Identifiers: MedGen C0557874, HP:0001263. Disease mechanism: loss of function.
Delayed speech and language development. Also called: Language delay. Identifiers: MedGen C0454644, HP:0000750.
Neonatal hypotonia. Identifiers: MedGen C2267233, HP:0001319.
Intellectual disability. Also called: Intellectual developmental disorder; Intellectual functioning disability; intellectual disabilities. Identifiers: MedGen C3714756, MeSH D008607, MONDO:0001071, HP:0001249.

Submissions (6):

Labcorp Genetics (formerly Invitae), Labcorp
Classification: Pathogenic for PURA-related severe neonatal hypotonia-seizures-encephalopathy syndrome. Last evaluated: 2025-02-02. Review status: criteria provided, single submitter. Criteria: Invitae Variant Classification Sherloc (09022015). Collection method: clinical testing. Allele origin: germline.
Comment: This sequence change creates a premature translational stop signal (p.Ser103Hisfs*97) in the PURA gene. While this is not anticipated to result in nonsense mediated decay, it is expected to disrupt the last 220 amino acid(s) of the PURA protein. This variant is not present in population databases (gnomAD no frequency). This premature translational stop signal has been observed in individual(s) with early infantile epileptic encephalopathy and gross motor delay, hypotonia, and seizures (PMID: 25439098, 28600779). In at least one individual the variant was observed to be de novo. This variant is also known as c.302_303del. This variant disrupts a region of the PURA protein in which other variant(s) (p.Asp207Thrfs*16) have been determined to be pathogenic (internal data). This suggests that this is a clinically significant region of the protein, and that variants that disrupt it are likely to be disease-causing. For these reasons, this variant has been classified as Pathogenic.

Genomic Medicine Center of Excellence, King Faisal Specialist Hospital and Research Centre
Classification: Pathogenic for PURA-related severe neonatal hypotonia-seizures-encephalopathy syndrome. Last evaluated: 2024-09-22. Review status: criteria provided, single submitter. Criteria: ACMG Guidelines, 2015. Collection method: clinical testing. Allele origin: germline.

Institute of Human Genetics, University of Leipzig Medical Center
Classification: Pathogenic for PURA-related severe neonatal hypotonia-seizures-encephalopathy syndrome. Last evaluated: 2023-07-17. Review status: criteria provided, single submitter. Criteria: ACMG Guidelines, 2015. Collection method: clinical testing. Allele origin: de novo. Inheritance: Autosomal dominant inheritance. Affected: yes.
Comment: Criteria applied: PVS1,PS2,PS4_MOD,PM2_SUP

PreventionGenetics, part of Exact Sciences
Classification: Pathogenic for PURA-related condition. Last evaluated: 2024-07-02. Review status: no assertion criteria provided. Collection method: clinical testing. Allele origin: germline. Not counted in ClinVar's aggregate classification.
Comment: The PURA c.307_308delTC variant is predicted to result in a frameshift and premature protein termination (p.Ser103Hisfs*97). This variant has been reported in the de novo state in individuals with hypotonia, seizures, encephalopathy or developmental disorders (see for example, Lalani et al 2014. PubMed ID: 25439098; Table S1, Kaplanis et al. 2020. PubMed ID: 33057194). This variant has not been reported in a large population database, indicating this variant is rare. Frameshift variants in PURA are expected to be pathogenic. This variant is interpreted as pathogenic.

OMIM
Classification: Pathogenic for NEURODEVELOPMENTAL DISORDER WITH NEONATAL RESPIRATORY INSUFFICIENCY, HYPOTONIA, AND FEEDING DIFFICULTIES. Last evaluated: 2014-11-06. Review status: no assertion criteria provided. Collection method: literature only. Allele origin: germline. Not counted in ClinVar's aggregate classification.

Whole genome laboratory; Baylor College of Medicine
Classification: Pathogenic for Neonatal hypotonia; Delayed speech and language development; Intellectual disability; Global developmental delay. Last evaluated: 2014-09-15. Review status: no assertion criteria provided. Collection method: clinical testing. Allele origin: germline. Affected: yes. Observed: 1 variant allele. Study: Clinical exome sequencing test. Not counted in ClinVar's aggregate classification.
Comment: Sporadic neonatal hypotonia, developmental delay, speech impairment, sleep apnea, and intellectual disability

Literature cited by the submitters: PubMed 25439098 (cited by Labcorp Genetics (formerly Invitae), Labcorp and OMIM); PubMed 28600779 (cited by Labcorp Genetics (formerly Invitae), Labcorp).